The following is an entry in ClinVar:

NM_006269.2(RP1):c.5141G>A (p.Cys1714Tyr)

Genes: RP1 (RP1 axonemal microtubule associated; plus strand), LOC126860392 (CDK7 strongly-dependent group 2 enhancer GRCh37_chr8:55541319-55542518; plus strand). Cytogenetic location: 8q12.1.
Variant type: single nucleotide variant.
Coding change: c.5141G>A on transcript NM_006269.2 (MANE Select); coding-DNA position 5141, G replaced by A.
Protein change: p.Cys1714Tyr; replaces cysteine 1714 with tyrosine.
Molecular consequence: missense variant. On other transcripts: intron variant (1).
Genome position (GRCh38, 1-based): chr8:54,629,023, G>A. VCF-style: chr8-54629023-G-A. GRCh37 (hg19) VCF-style: chr8-55541583-G-A.
Other names: c.787+6735G>A (NM_001375654.1); short protein forms C1714Y.
Identifiers: ClinVar variation 1021676 (VCV001021676.11), dbSNP rs1806168979, ClinGen allele CA370984944.

ClinVar aggregate classification (germline): Uncertain significance (1 of 4 stars; one submission).

Allele frequency attached by ClinVar (database versions not stated): TOPMed below 0.00001.

Submission:

Labcorp Genetics (formerly Invitae), Labcorp
Classification: Uncertain significance. Last evaluated: 2024-10-07. Review status: criteria provided, single submitter. Criteria: Invitae Variant Classification Sherloc (09022015). Collection method: clinical testing. Allele origin: germline.
Comment: This sequence change replaces cysteine, which is neutral and slightly polar, with tyrosine, which is neutral and polar, at codon 1714 of the RP1 protein (p.Cys1714Tyr). This variant is not present in population databases (gnomAD no frequency). This variant has not been reported in the literature in individuals affected with RP1-related conditions. ClinVar contains an entry for this variant (Variation ID: 1021676). An algorithm developed to predict the effect of missense changes on protein structure and function outputs the following: PolyPhen-2: "Benign". The tyrosine amino acid residue is found in multiple mammalian species, which suggests that this missense change does not adversely affect protein function. In summary, the available evidence is currently insufficient to determine the role of this variant in disease. Therefore, it has been classified as a Variant of Uncertain Significance.